The following is an entry in ClinVar:

ClinVar aggregate classification (germline): Likely pathogenic (1 of 4 stars; one submission).

Conditions:
Hearing loss, autosomal recessive 116. Also called: DEAFNESS, AUTOSOMAL RECESSIVE 116. Identifiers: MedGen C5436789, MONDO:0033670, OMIM 619093.

Allele frequency attached by ClinVar (database versions not stated): gnomAD exomes 0.00022; ExAC 0.00031; ESP Exome Variant Server 0.00038.
gnomAD v4.1: 402 of 1,613,608 alleles (0.025%); highest among the groups gnomAD compares: African/African-American, 0.051%; 1 homozygote.

Submission:

Laboratory of Prof. Karen Avraham, Tel Aviv University
Classification: Likely pathogenic for Hearing loss, autosomal recessive 116. Last evaluated: 2024-05-01. Review status: criteria provided, single submitter. Criteria: ACMG Guidelines, 2015. Collection method: research. Allele origin: germline. Affected: yes. Observed: 1 variant allele.
Comment: Homozygosity of a variant predicted deleterious by all prediction programs.

DFNB116; profound HL.

NM_020982.4(CLDN9):c.346C>T (p.Arg116Cys)

Gene: CLDN9 (claudin 9; plus strand). Cytogenetic location: 16p13.3.
Variant type: single nucleotide variant.
Coding change: c.346C>T on transcript NM_020982.4 (MANE Select); coding-DNA position 346, C replaced by T.
Protein change: p.Arg116Cys; replaces arginine 116 with cysteine.
Molecular consequence: missense variant.
Genome position (GRCh38, 1-based): chr16:3,013,708, C>T. VCF-style: chr16-3013708-C-T. GRCh37 (hg19) VCF-style: chr16-3063709-C-T.
Other names: short protein forms R116C.
Identifiers: ClinVar variation 3250379 (VCV003250379.1), dbSNP rs34769999.